The following is an entry in ClinVar:

NM_015178.3(RHOBTB2):c.1803G>A (p.Ala601=)

Gene: RHOBTB2 (Rho related BTB domain containing 2; plus strand). Cytogenetic location: 8p21.3.
Variant type: single nucleotide variant.
Coding change: c.1803G>A on transcript NM_015178.3 (MANE Select); coding-DNA position 1803, G replaced by A.
Protein change: p.Ala601=; no amino-acid change (alanine 601 retained).
Molecular consequence: synonymous variant.
Genome position (GRCh38, 1-based): chr8:23,014,721, G>A. VCF-style: chr8-23014721-G-A. GRCh37 (hg19) VCF-style: chr8-22872234-G-A.
Other names: c.1869G>A, p.Ala623= (NM_001160036.2); c.1824G>A, p.Ala608= (NM_001160037.2); c.1803G>A, p.Ala601= (NM_001374791.1).
Identifiers: ClinVar variation 1639591 (VCV001639591.10), dbSNP rs767052748, ClinGen allele CA4672784.

ClinVar aggregate classification (germline): Likely benign. Review status: criteria provided, multiple submitters, no conflicts (2 of 4 stars). 2 submissions from 2 submitters: Likely benign (2). Last evaluated 2026-05-01.

Allele frequency attached by ClinVar (database versions not stated): ExAC 0.00002.

Submissions (2):

CeGaT Center for Human Genetics Tuebingen
Classification: Likely benign. Last evaluated: 2026-05-01. Review status: criteria provided, single submitter. Criteria: CeGaT Center For Human Genetics Tuebingen Variant Classification Criteria Version 2. Collection method: clinical testing. Allele origin: germline. Affected: yes. Observed: 1 variant allele.
Comment: RHOBTB2: BP4, BP7

Labcorp Genetics (formerly Invitae), Labcorp
Classification: Likely benign. Last evaluated: 2025-02-24. Review status: criteria provided, single submitter. Criteria: Invitae Variant Classification Sherloc (09022015). Collection method: clinical testing. Allele origin: germline.